The following is an entry in ClinVar:

ClinVar aggregate classification (germline): Pathogenic (1 of 4 stars; one submission).

Conditions:
Developmental and epileptic encephalopathy, 73. Also called: Rnf13-related severe early-onset epileptic encephalopathy; EPILEPTIC ENCEPHALOPATHY, EARLY INFANTILE, 73. Identifiers: Orphanet 544503, MedGen C5193065, MONDO:0034106, OMIM 618379.

Submission:

Dubai Health Genomic Medicine Center, Dubai Health
Classification: Pathogenic for Developmental and epileptic encephalopathy 73. Last evaluated: 2024-10-04. Review status: criteria provided, single submitter. Criteria: ACMG Guidelines, 2015. Collection method: research. Allele origin: germline. Affected: yes.
Comment: PVS1, PS2, PM2, PM5

NM_183381.3(RNF13):c.901G>T (p.Glu301Ter)

Gene: RNF13 (ring finger protein 13; plus strand). Cytogenetic location: 3q25.1.
Variant type: single nucleotide variant.
Coding change: c.901G>T on transcript NM_183381.3 (MANE Select); coding-DNA position 901, G replaced by T.
Protein change: p.Glu301Ter; replaces glutamic acid 301 with a stop codon.
Molecular consequence: nonsense. On other transcripts: non-coding transcript variant (1).
Genome position (GRCh38, 1-based): chr3:149,960,859, G>T. VCF-style: chr3-149960859-G-T. GRCh37 (hg19) VCF-style: chr3-149678646-G-T.
Other names: c.901G>T, p.Glu301Ter (NM_001378285.1, NM_001378286.1, NM_007282.4); c.544G>T, p.Glu182Ter (NM_001378287.1, NM_001378288.1, NM_001378289.1 and 2 more transcripts); c.508G>T, p.Glu170Ter (NM_001378291.1); short protein forms E170*, E182*, E301*.
Identifiers: ClinVar variation 1810266 (VCV001810266.2), dbSNP rs2473635400, ClinGen allele CA354935827.